The following is an entry in ClinVar:

NM_000053.4(ATP7B):c.440T>G (p.Leu147Arg)

Gene: ATP7B (ATPase copper transporting beta; minus strand). Cytogenetic location: 13q14.3.
Variant type: single nucleotide variant.
Coding change: c.440T>G on transcript NM_000053.4 (MANE Select); coding-DNA position 440, T replaced by G.
Protein change: p.Leu147Arg; replaces leucine 147 with arginine.
Molecular consequence: missense variant.
Genome position (GRCh38, 1-based): chr13:51,974,780, A>C on the plus strand (T>G on the coding strand, the complement: ATP7B is on the minus strand). VCF-style: chr13-51974780-A-C. GRCh37 (hg19) VCF-style: chr13-52548916-A-C.
Other names: c.440T>G, p.Leu147Arg (NM_001005918.3, NM_001243182.2, NM_001330578.2 and 30 more transcripts); c.344T>G, p.Leu115Arg (NM_001406530.1, NM_001406536.1, NM_001406517.1 and 4 more transcripts); short protein forms L115R, L147R.
Identifiers: ClinVar variation 4758285 (VCV004758285.1).

ClinVar aggregate classification (germline): Uncertain significance (1 of 4 stars; one submission).

Conditions:
Wilson disease (WND). Also called: Wilson's disease. Identifiers: Orphanet 905, MedGen C0019202, MONDO:0010200, OMIM 277900. Disease mechanism: loss of function.

Submission:

Color Diagnostics, LLC DBA Color Health
Classification: Uncertain significance for Wilson disease. Last evaluated: 2025-11-10. Review status: criteria provided, single submitter. Criteria: ACMG Guidelines, 2015. Collection method: clinical testing. Allele origin: germline.
Comment: This missense variant replaces leucine with arginine at codon 147 of the ATP7B protein. Computational prediction suggests that this variant may have deleterious impact on protein structure and function. To our knowledge, functional studies have not been reported for this variant. This variant has not been reported in individuals affected with ATP7B-related disorders in the literature. This variant has not been identified in the general population by the Genome Aggregation Database (gnomAD). The available evidence is insufficient to determine the role of this variant in disease conclusively. Therefore, this variant is classified as a Variant of Uncertain Significance.